The following is an entry in ClinVar:

NM_014243.3(ADAMTS3):c.862-5G>T

Gene: ADAMTS3 (ADAM metallopeptidase with thrombospondin type 1 motif 3; minus strand). Cytogenetic location: 4q13.3.
Variant type: single nucleotide variant.
Coding change: c.862-5G>T on transcript NM_014243.3 (MANE Select); 5 bases into the intron before coding-DNA position 862, G replaced by T.
Molecular consequence: intron variant.
Genome position (GRCh38, 1-based): chr4:72,323,102, C>A on the plus strand (G>T on the coding strand, the complement: ADAMTS3 is on the minus strand). VCF-style: chr4-72323102-C-A. GRCh37 (hg19) VCF-style: chr4-73188819-C-A.
Other names: c.862-5G>T (NM_014243.2).
Identifiers: ClinVar variation 2654813 (VCV002654813.25), dbSNP rs201628279, ClinGen allele CA2957116.
Genomic context (GRCh38, chr4:72,323,102, plus strand): 5'-ACCAGGACCACATTTATATGCACTCCGAGGGACTCATCATGGTAAATTTCATTCACCTAG[C>A]AACAAAAAAAGATAATTGCTAAAAGAAAGGAAACACCGAGGATTTCATGAGATGTACATA-3'

ClinVar aggregate classification (germline): Benign. Review status: criteria provided, single submitter (1 of 4 stars). 2 submissions from 2 submitters: Benign (1). 1 of the submissions does not count toward it. Last evaluated 2024-11-01.

Conditions:
ADAMTS3-related disorder. Also called: ADAMTS3-related condition.

Allele frequency attached by ClinVar (database versions not stated): TOPMed 0.00034; 1000 Genomes Project 0.00140; 1000 Genomes Project 30x 0.00141.
gnomAD v4.1: 1,535 of 1,608,818 alleles (0.095%); highest among the groups gnomAD compares: South Asian, 1.1%; 20 homozygotes.

Submissions (2):

CeGaT Center for Human Genetics Tuebingen
Classification: Benign. Last evaluated: 2024-11-01. Review status: criteria provided, single submitter. Criteria: CeGaT Center For Human Genetics Tuebingen Variant Classification Criteria Version 2. Collection method: clinical testing. Allele origin: germline. Affected: yes. Observed: 4 variant alleles.
Comment: ADAMTS3: BP4, BS1, BS2

PreventionGenetics, part of Exact Sciences
Classification: Benign for ADAMTS3-related condition. Last evaluated: 2019-02-19. Review status: no assertion criteria provided. Collection method: clinical testing. Allele origin: germline. Not counted in ClinVar's aggregate classification.
Comment: This variant is classified as benign based on ACMG/AMP sequence variant interpretation guidelines (Richards et al. 2015 PMID: 25741868, with internal and published modifications).